The following is an entry in ClinVar:

NM_000179.3(MSH6):c.3379_3438+5del

Gene: MSH6 (mutS homolog 6; plus strand). Cytogenetic location: 2p16.3.
Variant type: Deletion.
Coding change: c.3379_3438+5del on transcript NM_000179.3 (MANE Select); coding-DNA position 3379 through 5 bases into the intron after coding-DNA position 3438, 65 bases deleted.
Molecular consequence: splice donor variant.
Genome position (GRCh38, 1-based): chr2:47,803,626-47,803,690, 65 bases deleted. GRCh37 (hg19): chr2:48,030,765-48,030,829.
Other names: c.2473_2532+5del (NM_001281493.2, NM_001281494.2); c.2989_3048+5del (NM_001281492.2); c.3379_3438+5del65 (NM_000179.2); c.3379_3438+5delGCCTATTGTGTGCTTGTTACTGGACCAAATATGGGGGGCAAGTCTACGCTTATGAGACAGGTAAC (NM_000179.2).
Identifiers: ClinVar variation 89377 (VCV000089377.23), dbSNP rs1553331676, ClinGen allele CA330512.

ClinVar aggregate classification (germline): Pathogenic. Review status: reviewed by expert panel (3 of 4 stars). 9 submissions from 9 submitters: Pathogenic (1). 8 of the submissions do not count toward it. Last evaluated 2013-09-05.

Conditions:
MSH6-related disorder. Also called: MSH6-Related disorders; MSH6-related condition.
Lynch syndrome. Identifiers: Orphanet 144, MedGen C4552100, MONDO:0005835. Disease mechanism: loss of function.
Lynch syndrome 5 (LYNCH5). Also called: Colorectal cancer, hereditary nonpolyposis, type 5; Hereditary non-polyposis colorectal cancer, type 5. Identifiers: Orphanet 144, MedGen C1833477, MONDO:0013710, OMIM 614350. Disease mechanism: loss of function.
Hereditary nonpolyposis colorectal neoplasms. Identifiers: MedGen C0009405, MeSH D003123.
Hereditary cancer-predisposing syndrome. Also called: Neoplastic Syndromes, Hereditary; Hereditary Cancer Syndrome; Tumor predisposition; Hereditary neoplastic syndrome. Identifiers: Orphanet 140162, MedGen C0027672, MeSH D009386, MONDO:0015356.

Submissions (9):

International Society for Gastrointestinal Hereditary Tumours (InSiGHT)
Classification: Pathogenic for Lynch Syndrome. Last evaluated: 2013-09-05. Review status: reviewed by expert panel. Criteria: Guidelines v1.9. Collection method: research. Allele origin: germline.
Comment: Coding sequence variation resulting in a stop codon (also interrupts canonical donor splice site)

Classified with v1.9 guidelines

Labcorp Genetics (formerly Invitae), Labcorp
Classification: Pathogenic for Hereditary nonpolyposis colorectal neoplasms. Last evaluated: 2024-12-11. Review status: criteria provided, single submitter. Criteria: Invitae Variant Classification Sherloc (09022015). Collection method: clinical testing. Allele origin: germline. Not counted in ClinVar's aggregate classification.
Comment: This variant results in the deletion of part of exon 5 (c.3379_3438+5del) of the MSH6 gene. It is expected to disrupt RNA splicing. Variants that disrupt the donor or acceptor splice site typically lead to a loss of protein function (PMID: 16199547), and loss-of-function variants in MSH6 are known to be pathogenic (PMID: 18269114, 24362816). This variant is not present in population databases (gnomAD no frequency). This variant has been observed in individuals with clinical features of Lynch syndrome (PMID: 18301448; internal data). Invitae Evidence Modeling of clinical and family history, age, sex, and reported ancestry of multiple individuals with this MSH6 variant has been performed. This variant is expected to be pathogenic with a positive predictive value of at least 99%. This is a validated machine learning model that incorporates the clinical features of 1,370,736 individuals referred to our laboratory for MSH6 testing. ClinVar contains an entry for this variant (Variation ID: 89377). Studies have shown that this variant is associated with altered splicing resulting in unknown protein product impact (internal data). For these reasons, this variant has been classified as Pathogenic.

Quest Diagnostics Nichols Institute San Juan Capistrano
Classification: Pathogenic. Last evaluated: 2024-05-08. Review status: criteria provided, single submitter. Criteria: Quest Diagnostics criteria. Collection method: clinical testing. Allele origin: unknown. Not counted in ClinVar's aggregate classification.
Comment: The MSH6 c.3379_3438+5del (p.Tyr1128_Ala1147del) variant has been reported in the published literature in an individual with Lynch syndrome associated tumor (colon cancer) showing loss of MSH6 protein expression and microsatellite instability (PMID: 18301448 (2008)). This variant was observed to result in abnormal splicing (personal communication with Ambry Genetics related to ClinVar ID: 89377. This variant has not been reported in large, multi-ethnic general populations (Genome Aggregation Database). Analysis of this variant using software algorithms for the prediction of the effect of nucleotide changes on splicing yielded predictions that this variant may affect proper MSH6 mRNA splicing. Based on the available information, this variant is classified as pathogenic.

Ambry Genetics
Classification: Pathogenic for Hereditary cancer-predisposing syndrome. Last evaluated: 2023-12-04. Review status: criteria provided, single submitter. Criteria: Ambry Variant Classification Scheme 2023. Collection method: clinical testing. Allele origin: germline. Not counted in ClinVar's aggregate classification.
Comment: The c.3379_3438+5del65 pathogenic mutation results from a deletion of 65 nucleotides between positions 3379 and 3438+5 and involves the canonical splice donor site after coding exon 5 of the MSH6 gene. This variant has been identified in a proband(s) whose Lynch syndrome-associated tumor demonstrated high microsatellite instability and/or loss of MSH6 expression by immunohistochemistry (Ambry internal data; Steinke V et al. Eur. J. Hum. Genet. 2008 May;16(5):587-92). This variant is considered to be rare based on population cohorts in the Genome Aggregation Database (gnomAD). In silico splice site analysis predicts that this alteration will weaken the native splice donor site. RNA studies have demonstrated that this alteration results in abnormal splicing in the set of samples tested (Ambry internal data). Based on the supporting evidence, this alteration is interpreted as a disease-causing mutation.

Myriad Genetics, Inc.
Classification: Pathogenic for Lynch syndrome 5. Last evaluated: 2023-08-22. Review status: criteria provided, single submitter. Criteria: Myriad Autosomal Dominant, Autosomal Recessive and X-Linked Classification Criteria (2023). Collection method: clinical testing. Allele origin: unknown. Not counted in ClinVar's aggregate classification.
Comment: This variant is considered pathogenic. This variant occurs within a consensus splice junction and is predicted to result in abnormal mRNA splicing of either an out-of-frame exon or an in-frame exon necessary for protein stability and/or normal function.

Blueprint Genetics
Classification: Likely pathogenic for MSH6-related disorders. Last evaluated: 2022-11-15. Review status: criteria provided, single submitter. Criteria: ACMG Guidelines, 2015. Collection method: clinical testing. Allele origin: germline. Affected: yes. Observed: 2 variant alleles. Not counted in ClinVar's aggregate classification.

Revvity Omics, Revvity
Classification: Pathogenic. Last evaluated: 2022-05-04. Review status: criteria provided, single submitter. Criteria: ACMG Guidelines, 2015. Collection method: clinical testing. Allele origin: germline. Not counted in ClinVar's aggregate classification.

GeneDx
Classification: Pathogenic. Last evaluated: 2020-12-03. Review status: criteria provided, single submitter. Criteria: GeneDx Variant Classification Process June 2021. Collection method: clinical testing. Allele origin: germline. Affected: yes. Not counted in ClinVar's aggregate classification.
Comment: Canonical splice site variant in a gene for which loss-of-function is a known mechanism of disease; Truncating variants in this gene are considered pathogenic by a well-established clinical consortium and/or database; Observed in an individual with early onset colon cancer demonstrating microsatellite instability and loss of MSH6 protein expression (Steinke 2008); Not observed in large population cohorts (Lek 2016); This variant is associated with the following publications: (PMID: 18301448)

Color Diagnostics, LLC DBA Color Health
Classification: Likely pathogenic for Hereditary cancer-predisposing syndrome. Last evaluated: 2019-06-26. Review status: criteria provided, single submitter. Criteria: ACMG Guidelines, 2015. Collection method: clinical testing. Allele origin: germline. Not counted in ClinVar's aggregate classification.

Literature cited by the submitters: PubMed 16199547 (cited by Labcorp Genetics (formerly Invitae), Labcorp); PubMed 18269114 (cited by Labcorp Genetics (formerly Invitae), Labcorp); PubMed 24362816 (cited by Labcorp Genetics (formerly Invitae), Labcorp); PubMed 18301448 (cited by 3 submitters).